The following is an entry in ClinVar:

ClinVar aggregate classification (germline): Likely benign (1 of 4 stars; one submission).

Allele frequency attached by ClinVar (database versions not stated): TOPMed 0.00001; ExAC 0.00002; gnomAD exomes 0.00002.
gnomAD v4.1: 31 of 1,613,010 alleles (0.0019%); highest among the groups gnomAD compares: South Asian, 0.0066%; no homozygotes.

Submission:

CeGaT Center for Human Genetics Tuebingen
Classification: Likely benign. Last evaluated: 2022-05-01. Review status: criteria provided, single submitter. Criteria: CeGaT Center For Human Genetics Tuebingen Variant Classification Criteria Version 2. Collection method: clinical testing. Allele origin: germline. Affected: yes. Observed: 1 variant allele.
Comment: ZNF716: BP4, BP7

NM_001159279.1(ZNF716):c.132G>A (p.Val44=)

Gene: ZNF716 (zinc finger protein 716; plus strand). Cytogenetic location: 7p11.2.
Variant type: single nucleotide variant.
Coding change: c.132G>A on transcript NM_001159279.1 (MANE Select); coding-DNA position 132, G replaced by A.
Protein change: p.Val44=; no amino-acid change (valine 44 retained).
Molecular consequence: synonymous variant.
Genome position (GRCh38, 1-based): chr7:57,462,552, G>A. VCF-style: chr7-57462552-G-A. GRCh37 (hg19) VCF-style: chr7-57522258-G-A.
Identifiers: ClinVar variation 2657519 (VCV002657519.24), dbSNP rs782303045, ClinGen allele CA4271536.